The following is an entry in ClinVar:

ClinVar aggregate classification (germline): Likely pathogenic (1 of 4 stars; one submission).

Conditions:
Wiedemann-Steiner syndrome (WDSTS). Also called: Growth deficiency and mental retardation with facial dysmorphism. Identifiers: Orphanet 319182, MedGen C1854630, MONDO:0011518, OMIM 605130.

Submission:

3billion
Classification: Likely pathogenic for Wiedemann-Steiner syndrome. Last evaluated: 2022-03-22. Review status: criteria provided, single submitter. Criteria: ACMG Guidelines, 2015. Collection method: clinical testing. Allele origin: germline. Affected: yes. Observed: 1 heterozygote.
Comment: Frameshift: predicted to result in a loss or disruption of normal protein function through nonsense-mediated decay (NMD) or protein truncation. Multiple pathogenic variants are reported downstream of the variant.It is not observed in the gnomAD v2.1.1 dataset. Therefore, this variant is classified as likely pathogenic according to the recommendation of ACMG/AMP guideline.

NM_001197104.2(KMT2A):c.2982_2988del (p.Ser995fs)

Gene: KMT2A (lysine methyltransferase 2A; plus strand). Cytogenetic location: 11q23.3.
Variant type: Deletion.
Coding change: c.2982_2988del on transcript NM_001197104.2 (MANE Select); coding-DNA positions 2982 to 2988, 7 bases deleted (TTCATCT; older notation c.2982_2988delTTCATCT).
Protein change: p.Ser995fs; shifts the reading frame from serine 995.
Molecular consequence: frameshift variant.
Genome position (GRCh38, 1-based): chr11:118,474,141-118,474,147, TTCATCT deleted. VCF-style (leftmost placement, unchanged base first): chr11-118474140-CTTCATCT-C. GRCh37 (hg19) VCF-style: chr11-118344855-CTTCATCT-C.
Other names: c.2982_2988del, p.Ser995fs (NM_005933.4); short protein forms S995fs.
Identifiers: ClinVar variation 1526028 (VCV001526028.1), dbSNP rs2134272841, ClinGen allele CA2573146940.